The following is an entry in ClinVar:

ClinVar aggregate classification (germline): Uncertain significance (1 of 4 stars; one submission).

Conditions:
Dilated cardiomyopathy 1G (CMD1G). Identifiers: Orphanet 154, MedGen C1858763, MONDO:0011400, OMIM 604145.
Autosomal recessive limb-girdle muscular dystrophy type 2J (LGMDR10). Also called: Limb-girdle muscular dystrophy, type 2J; MUSCULAR DYSTROPHY, LIMB-GIRDLE, AUTOSOMAL RECESSIVE 10. Identifiers: Orphanet 140922, MedGen C1837342, MONDO:0012127, OMIM 608807.

Submission:

Labcorp Genetics (formerly Invitae), Labcorp
Classification: Uncertain significance for Dilated cardiomyopathy 1G; Limb-girdle muscular dystrophy, type 2J. Last evaluated: 2019-04-06. Review status: criteria provided, single submitter. Criteria: Invitae Variant Classification Sherloc (09022015). Collection method: clinical testing. Allele origin: germline.
Comment: This variant is a gross deletion of the genomic region encompassing exons 202-204 of the TTN gene. The 5' end of this event is unknown as it extends outside of the assayed exons for this gene. The 3' boundary is confined to intron 204 of the TTN gene. While this deletion is not anticipated to result in nonsense mediated decay, it may create a truncated protein product. This variant has not been reported in the literature in individuals with TTN-related conditions. This variant is located in the I band of TTN (PMID: 25589632). Variants in this region may be relevant for neuromuscular disorders, but have not been definitively shown to cause cardiomyopathy (PMID: 23975875). In summary, the available evidence is currently insufficient to determine the role of this variant in disease. Therefore, it has been classified as a Variant of Uncertain Significance.

Literature cited by the submitters: PubMed 23975875; PubMed 25589632.

NM_001267550.2(TTN):c.38206+6_39295+5del

Gene: TTN (titin; minus strand). Cytogenetic location: 2q31.2.
Variant type: Deletion.
Coding change: c.38206+6_39295+5del on transcript NM_001267550.2 (MANE Select); 6 bases into the intron after coding-DNA position 38206 through 5 bases into the intron after coding-DNA position 39295, 2,649 bases deleted.
Molecular consequence: splice acceptor variant, splice donor variant. On other transcripts: intron variant (3).
Genome position (GRCh38, 1-based): chr2:178,652,091-178,654,739, 2,649 bases deleted. GRCh37 (hg19): chr2:179,516,888-179,519,536.
Other names: c.13283-12422_13283-9774del (NM_003319.4); c.13859-12422_13859-9774del (NM_133437.4); c.13658-12422_13658-9774del (NM_133432.3); c.31742-2198_31993+5del (NM_133378.4); c.34523-2198_34774+5del (NM_001256850.1).
Identifiers: ClinVar variation 855687 (VCV000855687.1), ClinGen allele CA916081371.